The following is an entry in ClinVar:

ClinVar aggregate classification (germline): Likely benign. Review status: criteria provided, multiple submitters, no conflicts (2 of 4 stars). 5 submissions from 5 submitters: Likely benign (4). 1 of the submissions does not count toward it. Last evaluated 2026-09-01.

Conditions:
VPS13C-related disorder. Also called: VPS13C-related condition.

Allele frequency attached by ClinVar (database versions not stated): 1000 Genomes Project 0.00040; 1000 Genomes Project 30x 0.00062; TOPMed 0.00152; gnomAD 0.00156; gnomAD exomes 0.00172 and 0.00200; ExAC 0.00176; ESP Exome Variant Server 0.00192.
gnomAD v4.1: 3,131 of 1,613,224 alleles (0.19%); highest among the groups gnomAD compares: Non-Finnish European, 0.23%; 7 homozygotes.

Submissions (5):

CeGaT Center for Human Genetics Tuebingen
Classification: Likely benign. Last evaluated: 2026-09-01. Review status: criteria provided, single submitter. Criteria: CeGaT Center For Human Genetics Tuebingen Variant Classification Criteria Version 2. Collection method: clinical testing. Allele origin: germline. Affected: yes. Observed: 4 variant alleles.
Comment: VPS13C: BP4

Mayo Clinic Laboratories, Mayo Clinic
Classification: Likely benign. Last evaluated: 2025-12-07. Review status: criteria provided, single submitter. Criteria: ACMG Guidelines, 2015. Collection method: clinical testing. Allele origin: germline. Observed: 2 variant alleles.
Comment: BS1, BP4_moderate

Labcorp Genetics (formerly Invitae), Labcorp
Classification: Likely benign. Last evaluated: 2025-10-17. Review status: criteria provided, single submitter. Criteria: Invitae Variant Classification Sherloc (09022015). Collection method: clinical testing. Allele origin: germline.

Breakthrough Genomics
Classification: Likely benign. Review status: criteria provided, single submitter. Criteria: ACMG Guidelines, 2015. Collection method: not provided. Allele origin: germline. Inheritance: Autosomal recessive inheritance. Affected: yes.

PreventionGenetics, part of Exact Sciences
Classification: Likely benign for VPS13C-related condition. Last evaluated: 2021-03-22. Review status: no assertion criteria provided. Collection method: clinical testing. Allele origin: germline. Not counted in ClinVar's aggregate classification.
Comment: This variant is classified as likely benign based on ACMG/AMP sequence variant interpretation guidelines (Richards et al. 2015 PMID: 25741868, with internal and published modifications).

Literature cited by the submitters: PubMed 32707456 (cited by Mayo Clinic Laboratories, Mayo Clinic); PubMed 33579389 (cited by Mayo Clinic Laboratories, Mayo Clinic); PubMed 37750340 (cited by Mayo Clinic Laboratories, Mayo Clinic).

NM_020821.3(VPS13C):c.7276G>A (p.Val2426Ile)

Gene: VPS13C (vacuolar protein sorting 13 homolog C; minus strand). Cytogenetic location: 15q22.2.
Variant type: single nucleotide variant.
Coding change: c.7276G>A on transcript NM_020821.3 (MANE Select); coding-DNA position 7276, G replaced by A.
Protein change: p.Val2426Ile; replaces valine 2426 with isoleucine.
Molecular consequence: missense variant.
Genome position (GRCh38, 1-based): chr15:61,920,268, C>T on the plus strand (G>A on the coding strand, the complement: VPS13C is on the minus strand). VCF-style: chr15-61920268-C-T. GRCh37 (hg19) VCF-style: chr15-62212467-C-T.
Other names: p.Val2426Ile; c.7276G>A, p.Val2426Ile (NM_001018088.3); c.7147G>A, p.Val2383Ile (NM_017684.5, NM_018080.4); short protein forms V2383I, V2426I.
Identifiers: ClinVar variation 708604 (VCV000708604.33), dbSNP rs143926369, ClinGen allele CA7595304.